The following is an entry in ClinVar:

NM_001369369.1(FOXN1):c.564C>G (p.Ser188Arg)

Gene: FOXN1 (forkhead box N1; plus strand). Cytogenetic location: 17q11.2.
Variant type: single nucleotide variant.
Coding change: c.564C>G on transcript NM_001369369.1 (MANE Select); coding-DNA position 564, C replaced by G.
Protein change: p.Ser188Arg; replaces serine 188 with arginine.
Molecular consequence: missense variant.
Genome position (GRCh38, 1-based): chr17:28,524,943, C>G. VCF-style: chr17-28524943-C-G. GRCh37 (hg19) VCF-style: chr17-26851961-C-G.
Other names: c.564C>G, p.Ser188Arg (NM_003593.3); short protein forms S188R.
Identifiers: ClinVar variation 4702540 (VCV004702540.1).
Genomic context (GRCh38, chr17:28,524,943, plus strand): 5'-CGAGGCCTTCCTGCCTGGCTTCTCAGCAGAGGCCTGGTGTAACGGGCTCCCCTACCCCAG[C>G]CAGGAGCATGGCCCCCAAGTCCTGGTGAGTACTAGTGGCCAGCGAGTGTCCCATCTTCCC-3'
Protein context (NP_001356298.1, residues 178-198): EAWCNGLPYP[Ser188Arg]QEHGPQVLGS

ClinVar aggregate classification (germline): Uncertain significance (1 of 4 stars; one submission).

Conditions:
T-cell immunodeficiency, congenital alopecia, and nail dystrophy. Also called: Congenital alopecia and nail dystrophy associated with severe functional T-cell immunodeficiency; Pignata Guarino syndrome. Identifiers: Orphanet 169095, MedGen C1866426, MONDO:0011132, OMIM 601705.

gnomAD v4.1: 7 of 1,611,424 alleles (0.00043%); highest among the groups gnomAD compares: South Asian, 0.0077%; no homozygotes.

Submission:

Labcorp Genetics (formerly Invitae), Labcorp
Classification: Uncertain significance for T-cell immunodeficiency, congenital alopecia, and nail dystrophy. Last evaluated: 2025-08-29. Review status: criteria provided, single submitter. Criteria: Invitae Variant Classification Sherloc (09022015). Collection method: clinical testing. Allele origin: germline.
Comment: This sequence change replaces serine, which is neutral and polar, with arginine, which is basic and polar, at codon 188 of the FOXN1 protein (p.Ser188Arg). This variant is present in population databases (no rsID available, gnomAD 0.003%). This variant has not been reported in the literature in individuals affected with FOXN1-related conditions. Invitae Evidence Modeling of protein sequence and biophysical properties (such as structural, functional, and spatial information, amino acid conservation, physicochemical variation, residue mobility, and thermodynamic stability) indicates that this missense variant is not expected to disrupt FOXN1 protein function with a negative predictive value of 80%. In summary, the available evidence is currently insufficient to determine the role of this variant in disease. Therefore, it has been classified as a Variant of Uncertain Significance.